The following is an entry in ClinVar:

NM_004285.4(H6PD):c.-7_1del

Gene: H6PD (hexose-6-phosphate dehydrogenase/glucose 1-dehydrogenase; plus strand). Cytogenetic location: 1p36.22.
Variant type: Microsatellite.
Coding change: c.-7_1del on transcript NM_004285.4 (MANE Select); 7 bases upstream of the start codon through coding-DNA position 1, 8 bases deleted (CCCAGGCA; older notation c.-7_1delCCCAGGCA).
Molecular consequence: splice acceptor variant, initiator codon variant.
Genome position (GRCh38, 1-based): chr1:9,244,928-9,244,935, CCCAGGCA deleted; deleting any 8 consecutive bases within chr1:9,244,920-9,244,935 gives the same sequence; the c. name uses the placement nearest the transcript's 3' end. VCF-style (leftmost placement, unchanged base first): chr1-9244919-CCCCAGGCA-C. GRCh37 (hg19) VCF-style: chr1-9304978-CCCCAGGCA-C.
Other names: NC_000001.10:g.9304987_9304994del; c.27_34del8 (NM_001282587.1).
Identifiers: ClinVar variation 402919 (VCV000402919.9), ClinGen allele CA574858.

ClinVar aggregate classification (germline): Benign. Review status: criteria provided, multiple submitters, no conflicts (2 of 4 stars). 4 submissions from 4 submitters: Benign (4). Last evaluated 2025-03-24.

Conditions:
H6PD-related disorder. Also called: H6PD-related condition.
Cortisone reductase deficiency 1 (CORTRD1). Identifiers: Orphanet 168588, MedGen C3551716, MONDO:0011503, OMIM 604931.

Submissions (13):

PreventionGenetics, part of Exact Sciences
Classification: Benign for H6PD-related condition. Last evaluated: 2025-03-24. Review status: criteria provided, single submitter. Criteria: ACMG Guidelines, 2015. Collection method: clinical testing. Allele origin: germline.
Comment: This variant is classified as benign based on ACMG/AMP sequence variant interpretation guidelines (Richards et al. 2015 PMID: 25741868, with internal and published modifications).

Blueprint Genetics
Classification: Benign. Last evaluated: 2024-11-26. Review status: criteria provided, single submitter. Criteria: ACMG Guidelines, 2015. Collection method: clinical testing. Allele origin: germline.

Genome-Nilou Lab
Classification: Benign for Cortisone reductase deficiency 1. Last evaluated: 2023-04-11. Review status: criteria provided, single submitter. Criteria: ACMG Guidelines, 2015. Collection method: clinical testing. Allele origin: germline. Affected: no.

Laboratory for Molecular Medicine, Mass General Brigham Personalized Medicine
Classification: Benign. Last evaluated: 2016-03-29. Review status: criteria provided, single submitter. Criteria: LMM Criteria. Collection method: clinical testing. Allele origin: germline.
Comment: Variant identified in a genome or exome case(s) and assessed due to predicted null impact of the variant or pathogenic assertions in the literature or databases. Disclaimer: This variant has not undergone full assessment. The following are preliminary notes: Frequency in 1000Genomes: 255/2178= 11.71%

Dr. Peter K. Rogan Lab, Western University
No classification provided (evidence only). Condition: Acute myeloid leukemia. Review status: no classification provided. Collection method: in vitro. Allele origin: not applicable. Functional consequence: retained intron. Not counted in ClinVar's aggregate classification.

Dr. Peter K. Rogan Lab, Western University
No classification provided (evidence only). Condition: Acute myeloid leukemia. Review status: no classification provided. Collection method: in vitro. Allele origin: not applicable. Functional consequence: cryptic splice site. Not counted in ClinVar's aggregate classification.

Dr. Peter K. Rogan Lab, Western University
No classification provided (evidence only). Condition: Cholangiocarcinoma. Review status: no classification provided. Collection method: in vitro. Allele origin: not applicable. Functional consequence: cryptic splice site, retained intron. Not counted in ClinVar's aggregate classification.

Dr. Peter K. Rogan Lab, Western University
No classification provided (evidence only). Condition: Cholangiocarcinoma. Review status: no classification provided. Collection method: in vitro. Allele origin: not applicable. Functional consequence: cryptic splice site. Not counted in ClinVar's aggregate classification.

Dr. Peter K. Rogan Lab, Western University
No classification provided (evidence only). Condition: Malignant lymphoma, large B-cell, diffuse. Review status: no classification provided. Collection method: in vitro. Allele origin: not applicable. Functional consequence: retained intron. Not counted in ClinVar's aggregate classification.

Dr. Peter K. Rogan Lab, Western University
No classification provided (evidence only). Condition: Nonpapillary renal cell carcinoma. Review status: no classification provided. Collection method: in vitro. Allele origin: not applicable. Functional consequence: cryptic splice site, retained intron. Not counted in ClinVar's aggregate classification.

Dr. Peter K. Rogan Lab, Western University
No classification provided (evidence only). Condition: Nonpapillary renal cell carcinoma. Review status: no classification provided. Collection method: in vitro. Allele origin: not applicable. Functional consequence: cryptic splice site. Not counted in ClinVar's aggregate classification.

Dr. Peter K. Rogan Lab, Western University
No classification provided (evidence only). Condition: Lung cancer. Review status: no classification provided. Collection method: in vitro. Allele origin: not applicable. Functional consequence: cryptic splice site. Not counted in ClinVar's aggregate classification.

Dr. Peter K. Rogan Lab, Western University
No classification provided (evidence only). Condition: Uveal melanoma. Review status: no classification provided. Collection method: in vitro. Allele origin: not applicable. Functional consequence: cryptic splice site. Not counted in ClinVar's aggregate classification.